The following is an entry in ClinVar:

NM_000518.5(HBB):c.112del (p.Trp38fs)

Genes: HBB (hemoglobin subunit beta; minus strand), LOC106099062 (HBB recombination region; plus strand), LOC107133510 (origin of replication at HBB; plus strand). Cytogenetic location: 11p15.4.
Variant type: Deletion.
Coding change: c.112del on transcript NM_000518.5 (MANE Select); coding-DNA position 112, one base deleted (T; older notation c.112delT).
Protein change: p.Trp38fs; shifts the reading frame from tryptophan 38.
Molecular consequence: frameshift variant.
Genome position (GRCh38, 1-based): chr11:5,226,780, A deleted on the plus strand (T on the coding strand, the reverse complement: HBB is on the minus strand); the first of 2 consecutive A bases (chr11:5,226,780-5,226,781); deleting either gives the same sequence. VCF-style (leftmost placement, unchanged base first): chr11-5226779-CA-C. GRCh37 (hg19) VCF-style: chr11-5248009-CA-C.
Other names: CD 36/37 (-T); c.112delT (NM_000518.5); short protein forms W38fs.
Identifiers: ClinVar variation 15431 (VCV000015431.121), dbSNP rs63750532, ClinGen allele CA125297.

ClinVar aggregate classification (germline): Pathogenic. Review status: criteria provided, multiple submitters, no conflicts (2 of 4 stars). 16 submissions from 16 submitters: Pathogenic (14). 2 of the submissions do not count toward it. Last evaluated 2025-08-14.

Conditions:
Beta-thalassemia HBB/LCRB. Identifiers: MedGen CN322236, MONDO:0013517, OMIM 613985.
Malaria, susceptibility to. Identifiers: Orphanet 673, MedGen C1970028, MONDO:0021024, OMIM 611162.
Hb SS disease (SCD). Also called: Sickle cell anemia; Hemoglobin SS; Sickle cell disease; HbS disease; Hemoglobin S Disease; Sickling disorder due to hemoglobin S. Identifiers: Orphanet 232, Orphanet 275752, MedGen C0002895, MONDO:0011382, OMIM 603903.
Erythrocytosis, familial, 6. Also called: ERYTHROCYTOSIS, BETA-GLOBIN TYPE; POLYCYTHEMIA, BETA-GLOBIN TYPE. Identifiers: MedGen C4693822, MONDO:0054801, OMIM 617980.
Heinz body anemia. Also called: Heinz body hemolytic anemia. Identifiers: Orphanet 178330, MedGen C0700299, MONDO:0007705, OMIM 140700, HP:0005511.
Hereditary persistence of fetal hemoglobin. Identifiers: MedGen C0019025, MONDO:0020989, OMIM 141749.
METHEMOGLOBINEMIA, BETA TYPE. Also called: Methemoglobinemia, beta-globin type. Identifiers: MedGen C1840779, OMIM 617971.
Dominant beta-thalassemia. Also called: Beta-thalassemia, dominant inclusion body type. Identifiers: Orphanet 231226, Orphanet 848, MedGen C1858990, MONDO:0011381, OMIM 603902.
HBB-related disorder. Also called: HBB-related disorders; HBB-related condition. Identifiers: MedGen CN239378.
Hemoglobinopathy. Also called: Hemoglobin disorder; Haemoglobinopathies. Identifiers: MedGen C0019045, MONDO:0044348.
Beta zero thalassemia. Identifiers: MedGen C0271980.
beta Thalassemia (BTHAL). Also called: Cooley's anemia; Erythroblastic anemia; Mediterranean anemia. Identifiers: Orphanet 848, MedGen C0005283, MONDO:0019402. Disease mechanism: loss of function.

Submissions 1 to 11 of 16:

Quest Diagnostics Nichols Institute San Juan Capistrano
Classification: Pathogenic. Last evaluated: 2025-08-14. Review status: criteria provided, single submitter. Criteria: Quest Diagnostics criteria. Collection method: clinical testing. Allele origin: unknown.
Comment: The HBB c.112del (p.Trp38Glyfs*24) variant (also known as Codon 36/37 (-T)) alters the translational reading frame of the HBB mRNA and causes the premature termination of HBB protein synthesis. In the published literature, this variant has been reported in multiple individuals with beta-thalassemia (PMID: 39359944 (2024), 32190157 (2020), 31134759 (2019), 30249157 (2019), 28391758 (2017), 26084319 (2015), 9140720 (1997), 1986379 (1991)). This variant has not been reported in large, multi-ethnic general populations (Genome Aggregation Database). Based on the available information, this variant is classified as pathogenic.

Natera, Inc.
Classification: Pathogenic for Beta thalassemia. Last evaluated: 2025-08-11. Review status: criteria provided, single submitter. Criteria: Natera Variant Classification Schema (03/2026). Collection method: clinical testing. Allele origin: germline.
Comment: The c.112delT variant in HBB is a frameshift variant predicted to shift the reading frame beginning at codon 38 and leads to a stop codon 24 codons downstream. This variant is expected to result in nonsense mediated decay, truncation, or a dysfunctional protein product. This variant is rare in the general population with a frequency below the threshold expected for the associated phenotype(s). This variant has been observed in one or more individuals affected with the associated recessive disease, as either homozygous or compound heterozygous with a second variant (PMID: 33335418, 25825561). Given the available evidence, this variant is classified as Pathogenic.

ARUP Laboratories, Molecular Genetics and Genomics, ARUP Laboratories
Classification: Pathogenic. Last evaluated: 2025-07-04. Review status: criteria provided, single submitter. Criteria: ARUP Molecular Germline Variant Investigation Process 2024. Collection method: clinical testing. Allele origin: germline.
Comment: The HBB c.112del; p.Trp38GlyfsTer24 variant (rs63750532, ClinVar Variation ID: 15431, HbVar ID: 840), also known as Codons 36/37 (-T) or Frameshift 36/37, is described in the literature in individuals with beta thalassemia (Farra 2021, Rund 1991). This variant is absent from the Genome Aggregation Database (v2.1.1), indicating it is not a common polymorphism. This variant causes a frameshift by deleting a single nucleotide, so it is predicted to result in a truncated protein or mRNA subject to nonsense-mediated decay. Based on available information, this variant is considered to be pathogenic. References: Link to HbVar database: Farra C et al. The Spectrum of ÃŸ-Thalassemia Mutations in the Population Migration in Lebanon: A 6-Year Retrospective Study. Hemoglobin. 2021 Nov. PMID: 33947296. Rund D et al. Evolution of a genetic disease in an ethnic isolate: beta-thalassemia in the Jews of Kurdistan. Proc Natl Acad Sci U S A. 1991 Jan 1;88(1):310-4. PMID: 1986379.

PreventionGenetics, part of Exact Sciences
Classification: Pathogenic for HBB-related condition. Last evaluated: 2025-07-01. Review status: criteria provided, single submitter. Criteria: ACMG Guidelines, 2015. Collection method: clinical testing. Allele origin: germline.
Comment: The HBB c.112delT variant is predicted to result in a frameshift and premature protein termination (p.Trp38Glyfs*24). This variant, alternatively referred to as CD36/37 -T using legacy nomenclature, has been reported in association with beta thalassaemia (Rund et al. 1991. PubMed ID: 1986379; Thein. 2012, PubMed ID: 23637309; Amin et al. 2020. PubMed ID: 33335418). This variant has not been reported in a large population database (gnomAD), indicating this variant is rare. Frameshift variants in HBB are expected to be pathogenic. This variant is interpreted as pathogenic.

First Genomix Gene Laboratory, Genetic Diagnostics Department
Classification: Pathogenic for Beta-thalassemia HBB/LCRB. Last evaluated: 2025-05-29. Review status: criteria provided, single submitter. Criteria: ACMG Guidelines, 2015. Collection method: clinical testing. Allele origin: germline. Inheritance: Autosomal recessive inheritance. Affected: no. Observed: 1 variant allele.

Fulgent Genetics
Classification: Pathogenic for Heinz body anemia; Hereditary persistence of fetal hemoglobin; Dominant beta-thalassemia; Hb SS disease; Malaria, susceptibility to; Beta-thalassemia HBB/LCRB; METHEMOGLOBINEMIA, BETA TYPE; Erythrocytosis, familial, 6. Last evaluated: 2024-04-29. Review status: criteria provided, single submitter. Criteria: ACMG Guidelines, 2015. Collection method: clinical testing. Allele origin: germline.

Labcorp Genetics (formerly Invitae), Labcorp
Classification: Pathogenic. Last evaluated: 2023-04-09. Review status: criteria provided, single submitter. Criteria: Invitae Variant Classification Sherloc (09022015). Collection method: clinical testing. Allele origin: germline.
Comment: For these reasons, this variant has been classified as Pathogenic. ClinVar contains an entry for this variant (Variation ID: 15431). This variant is also known as nonsense 39. This premature translational stop signal has been observed in individual(s) with beta thalassemia (PMID: 1986379, 28391758). This variant is not present in population databases (gnomAD no frequency). This sequence change creates a premature translational stop signal (p.Trp38Glyfs*24) in the HBB gene. It is expected to result in an absent or disrupted protein product. Loss-of-function variants in HBB are known to be pathogenic (PMID: 23637309).

Laboratory for Molecular Medicine, Mass General Brigham Personalized Medicine
Classification: Pathogenic for beta Thalassemia. Last evaluated: 2023-02-02. Review status: criteria provided, single submitter. Criteria: ACMG Guidelines, 2015. Collection method: clinical testing. Allele origin: germline.
Comment: The p.Trp38GlyfsX24 (c.112delT or "36/37(-T)") variant in HBB has been reported in over 30 individuals with beta thalassemia (Yılmaz 2019 PMID: 31411089, Yavarian 2001 PMID: 11300348, Tekes 2022, Rund 1991 PMID: 1986379, Moradi 2020 PMID: 32869674, Kiani 2007 PMID: 17654071, Jalilian 2017 PMID: 28391758, Guzelgul 2020 PMID: 32664780, Amin 2020 PMID: 33335418). It was absent from large population studies. This variant has also been reported in ClinVar (Variation ID 15431). This variant is predicted to cause a frameshift, which alters the protein’s amino acid sequence beginning at position 38 and leads to a premature termination codon 24 amino acids downstream. This is predicted to lead to a truncated or absent protein. Loss of function of the HBB gene is an established disease mechanism in autosomal recessive beta thalassemia. In summary, this variant meets criteria to be classified as pathogenic for autosomal recessive beta thalassemia. ACMG/AMP Criteria applied: PVS1, PS4, PM2_Supporting.

Genome-Nilou Lab
Classification: Pathogenic for Beta-thalassemia HBB/LCRB. Last evaluated: 2021-07-22. Review status: criteria provided, single submitter. Criteria: ACMG Guidelines, 2015. Collection method: clinical testing. Allele origin: germline. Affected: no.

Genomic Research Center, Shahid Beheshti University of Medical Sciences
Classification: Pathogenic for Beta-thalassemia HBB/LCRB. Last evaluated: 2020-05-03. Review status: criteria provided, single submitter. Criteria: ACMG Guidelines, 2015. Collection method: clinical testing. Allele origin: unknown. Affected: yes.

Women's Health and Genetics/Laboratory Corporation of America, LabCorp
Classification: Pathogenic for Hemoglobinopathy. Last evaluated: 2018-01-09. Review status: criteria provided, single submitter. Criteria: LabCorp Variant Classification Summary - May 2015. Collection method: clinical testing. Allele origin: germline.
Comment: Variant summary: The HBB c.112delT (p.Trp38GlyfsX24) variant results in a premature termination codon, predicted to cause a truncated or absent HBB protein due to nonsense mediated decay, which are commonly known mechanisms for disease. This variant is absent in 30964 control chromosomes (gnomAD). Multiple publications have cited the variant in individuals affected with BTHAL, observed predominantly in middle eastern countries (Rund_1991, El-Kalla_1997, Huisman_1997). In addition, multiple clinical diagnostic laboratories/reputable databases classified this variant as pathogenic. Taken together, this variant is classified as pathogenic.